The following is an entry in ClinVar:

ClinVar aggregate classification (germline): Pathogenic (1 of 4 stars; one submission).

Conditions:
Lynch syndrome 5 (LYNCH5). Also called: Colorectal cancer, hereditary nonpolyposis, type 5; Hereditary non-polyposis colorectal cancer, type 5. Identifiers: Orphanet 144, MedGen C1833477, MONDO:0013710, OMIM 614350. Disease mechanism: loss of function.

Submission:

Myriad Genetics, Inc.
Classification: Pathogenic for Lynch syndrome 5. Last evaluated: 2025-11-12. Review status: criteria provided, single submitter. Criteria: Myriad Autosomal Dominant, Autosomal Recessive and X-Linked Classification Criteria (2023). Collection method: clinical testing. Allele origin: unknown.
Comment: This variant is considered pathogenic. This variant creates a frameshift predicted to result in premature protein truncation.

NM_000179.3(MSH6):c.2197dup (p.Met733fs)

Gene: MSH6 (mutS homolog 6; plus strand). Cytogenetic location: 2p16.3.
Variant type: Duplication.
Coding change: c.2197dup on transcript NM_000179.3 (MANE Select); coding-DNA position 2197, one base duplicated (A; older notation c.2197dupA).
Protein change: p.Met733fs; shifts the reading frame from methionine 733.
Molecular consequence: frameshift variant. On other transcripts: intron variant (2), non-coding transcript variant (5).
Genome position (GRCh38, 1-based): chr2:47,800,180, A duplicated; the last of 2 consecutive A bases (chr2:47,800,179-47,800,180); duplicating either gives the same sequence. VCF-style (leftmost placement, unchanged base first): chr2-47800178-G-GA. GRCh37 (hg19) VCF-style: chr2-48027317-G-GA.
Other names: c.1606+591dup (NM_001406817.1); c.628-486dup (NM_001407362.1); c.1807dup, p.Met603fs (NM_001281492.2); c.1291dup, p.Met431fs (NM_001281493.2, NM_001281494.2, NM_001406811.1 and 6 more transcripts); c.2293dup, p.Met765fs (NM_001406795.1, NM_001406802.1); c.2197dup, p.Met733fs (NM_001406796.1, NM_001406798.1, NM_001406800.1 and 3 more transcripts); c.1900dup, p.Met634fs (NM_001406797.1, NM_001406801.1, NM_001406805.1 and 10 more transcripts); c.1672dup, p.Met558fs (NM_001406799.1, NM_001406806.1, NM_001406807.1); and 3 more; short protein forms M431fs, M558fs, M603fs, M634fs, M677fs, M707fs, M733fs, M735fs.
Identifiers: ClinVar variation 4812991 (VCV004812991.1).